The following is an entry in ClinVar:

NM_001103.4(ACTN2):c.969C>T (p.Phe323=)

Gene: ACTN2 (actinin alpha 2; plus strand). Cytogenetic location: 1q43.
Variant type: single nucleotide variant.
Coding change: c.969C>T on transcript NM_001103.4 (MANE Select); coding-DNA position 969, C replaced by T.
Protein change: p.Phe323=; no amino-acid change (phenylalanine 323 retained).
Molecular consequence: synonymous variant.
Genome position (GRCh38, 1-based): chr1:236,739,394, C>T. VCF-style: chr1-236739394-C-T. GRCh37 (hg19) VCF-style: chr1-236902694-C-T.
Other names: c.969C>T, p.Phe323= (NM_001278343.2); c.345C>T, p.Phe115= (NM_001278344.2).
Identifiers: ClinVar variation 238304 (VCV000238304.23), dbSNP rs200247458, ClinGen allele CA1473019.

ClinVar aggregate classification (germline): Likely benign. Review status: criteria provided, multiple submitters, no conflicts (2 of 4 stars). 6 submissions from 6 submitters: Likely benign (6). Last evaluated 2026-03-27.

Conditions:
Cardiovascular phenotype. Identifiers: MedGen CN230736.
Primary familial hypertrophic cardiomyopathy (HCM). Identifiers: Orphanet 99739, MedGen C0949658, MeSH D024741, MONDO:0024573. Inheritance: Various modes of inheritance.
Dilated cardiomyopathy 1AA (CMD1AA). Also called: Cardiomyopathy, dilated, 1AA, with or without LVNC; CARDIOMYOPATHY, DILATED, 1AA, WITH OR WITHOUT LEFT VENTRICULAR NONCOMPACTION; CARDIOMYOPATHY, FAMILIAL HYPERTROPHIC, 23, WITH OR WITHOUT LEFT VENTRICULAR NONCOMPACTION. Identifiers: Orphanet 154, MedGen C2677338, MONDO:0012808, OMIM 612158.
Cardiomyopathy (CMYO). Also called: Cardiomyopathies. Identifiers: Orphanet 167848, MedGen C0878544, MONDO:0004994, HP:0001638. Inheritance: Various modes of inheritance.

Allele frequency attached by ClinVar (database versions not stated): ExAC 0.00001; gnomAD exomes 0.00003; gnomAD 0.00005 and 0.00006.
gnomAD v4.1: 138 of 1,613,966 alleles (0.0086%); highest among the groups gnomAD compares: Non-Finnish European, 0.011%; no homozygotes.

Submissions (6):

Molecular Diagnostic Laboratory for Inherited Cardiovascular Disease, Montreal Heart Institute
Classification: Likely benign. Last evaluated: 2026-03-27. Review status: criteria provided, single submitter. Criteria: ACMG Guidelines, 2015. Collection method: clinical testing. Allele origin: germline. Affected: no.
Comment: BP7

Labcorp Genetics (formerly Invitae), Labcorp
Classification: Likely benign for Primary familial hypertrophic cardiomyopathy; Dilated cardiomyopathy 1AA. Last evaluated: 2025-12-13. Review status: criteria provided, single submitter. Criteria: Invitae Variant Classification Sherloc (09022015). Collection method: clinical testing. Allele origin: germline.

Blueprint Genetics
Classification: Likely benign. Last evaluated: 2024-10-14. Review status: criteria provided, single submitter. Criteria: ACMG Guidelines, 2015. Collection method: clinical testing. Allele origin: germline.

GeneDx
Classification: Likely benign. Last evaluated: 2021-05-07. Review status: criteria provided, single submitter. Criteria: GeneDx Variant Classification Process June 2021. Collection method: clinical testing. Allele origin: germline. Affected: yes.

CHEO Genetics Diagnostic Laboratory, Children's Hospital of Eastern Ontario
Classification: Likely benign for Cardiomyopathy. Last evaluated: 2020-06-26. Review status: criteria provided, single submitter. Criteria: ACMG Guidelines, 2015. Collection method: clinical testing. Allele origin: germline.

Ambry Genetics
Classification: Likely benign for Cardiovascular phenotype. Last evaluated: 2018-01-09. Review status: criteria provided, single submitter. Criteria: Ambry Variant Classification Scheme 2023. Collection method: clinical testing. Allele origin: germline.